The following is an entry in ClinVar:

NC_000013.11:g.32331002_32331007delinsAAACAAT

Gene: BRCA2 (BRCA2 DNA repair associated; plus strand). Cytogenetic location: 13q13.1.
Variant type: Indel.
Genome position: GRCh38 VCF-style: chr13-32331002-CACAAA-AAACAAT. GRCh37 (hg19) VCF-style: chr13-32905139-CACAAA-AAACAAT.
Other names: 993_998delCACAAAinsAAACAAT; c.765_770delinsAAACAAT, p.Asn255fs (LRG_293t1).
Identifiers: ClinVar variation 267029 (VCV000267029.5), dbSNP rs886040725, ClinGen allele CA10589051.

ClinVar aggregate classification (germline): Pathogenic. Review status: reviewed by expert panel (3 of 4 stars). 2 submissions from 2 submitters: Pathogenic (1). 1 of the submissions does not count toward it. Last evaluated 2016-10-18.

Conditions:
Breast-ovarian cancer, familial, susceptibility to, 2 (BROVCA2). Also called: BRCA2 Hereditary Breast and Ovarian Cancer. Identifiers: Orphanet 145, MedGen C2675520, MONDO:0012933, OMIM 612555. Disease mechanism: loss of function.

Submissions (2):

Evidence-based Network for the Interpretation of Germline Mutant Alleles (ENIGMA)
Classification: Pathogenic for Breast-ovarian cancer, familial, susceptibility to, 2. Last evaluated: 2016-10-18. Review status: reviewed by expert panel. Criteria: ENIGMA BRCA1/2 Classification Criteria (2015). Collection method: curation. Allele origin: germline.
Comment: Variant allele predicted to encode a truncated non-functional protein.

Consortium of Investigators of Modifiers of BRCA1/2 (CIMBA), c/o University of Cambridge
Classification: Pathogenic for Breast-ovarian cancer, familial, susceptibility to, 2. Last evaluated: 2015-10-02. Review status: criteria provided, single submitter. Criteria: CIMBA Mutation Classification guidelines May 2016. Collection method: clinical testing. Allele origin: germline. Not counted in ClinVar's aggregate classification.